The following is an entry in ClinVar:

NM_002857.4(PEX19):c.181-1G>A

Gene: PEX19 (peroxisomal biogenesis factor 19; minus strand). Cytogenetic location: 1q23.2.
Variant type: single nucleotide variant.
Coding change: c.181-1G>A on transcript NM_002857.4 (MANE Select); the canonical splice acceptor site of the intron before coding-DNA position 181, G replaced by A.
Molecular consequence: splice acceptor variant.
Genome position (GRCh38, 1-based): chr1:160,283,110, C>T on the plus strand (G>A on the coding strand, the complement: PEX19 is on the minus strand). VCF-style: chr1-160283110-C-T. GRCh37 (hg19) VCF-style: chr1-160252900-C-T.
Other names: c.181-1G>A (NM_001193644.1).
Identifiers: ClinVar variation 3659074 (VCV003659074.2).

ClinVar aggregate classification (germline): Likely pathogenic (1 of 4 stars; one submission).

Conditions:
Peroxisome biogenesis disorder 12A (Zellweger). Also called: Peroxisome biogenesis disorder 12A. Identifiers: Orphanet 912, MedGen C3554002, MONDO:0013951, OMIM 614886.

Submission:

Labcorp Genetics (formerly Invitae), Labcorp
Classification: Likely pathogenic for Peroxisome biogenesis disorder 12A (Zellweger). Last evaluated: 2024-07-09. Review status: criteria provided, single submitter. Criteria: Invitae Variant Classification Sherloc (09022015). Collection method: clinical testing. Allele origin: germline.
Comment: This sequence change affects an acceptor splice site in intron 2 of the PEX19 gene. It is expected to disrupt RNA splicing. Variants that disrupt the donor or acceptor splice site typically lead to a loss of protein function (PMID: 16199547), and loss-of-function variants in PEX19 are known to be pathogenic (PMID: 10051604, 20683989, 21031596). This variant is not present in population databases (gnomAD no frequency). This variant has not been reported in the literature in individuals affected with PEX19-related conditions. Algorithms developed to predict the effect of sequence changes on RNA splicing suggest that this variant may disrupt the consensus splice site. In summary, the currently available evidence indicates that the variant is pathogenic, but additional data are needed to prove that conclusively. Therefore, this variant has been classified as Likely Pathogenic.

Literature cited by the submitters: PubMed 16199547; PubMed 10051604; PubMed 20683989; PubMed 21031596.